The following is an entry in ClinVar:

ClinVar aggregate classification (germline): Uncertain significance (1 of 4 stars; one submission).

Conditions:
Inborn genetic diseases. Identifiers: MedGen C0950123, MeSH D030342.

Submission:

Ambry Genetics
Classification: Uncertain significance for Inborn genetic diseases. Last evaluated: 2026-05-12. Review status: criteria provided, single submitter. Criteria: Ambry Variant Classification Scheme 2023. Collection method: clinical testing. Allele origin: germline.
Comment: The c.1104G>A variant (also known as p.Q368Q), located in coding exon 11 of the DDX41 gene, results from a G to A substitution at nucleotide position 1104. This nucleotide substitution does not change the amino acid at codon 368. This nucleotide position is not well conserved in available vertebrate species. In silico splice site analysis predicts that this alteration may result in the creation or strengthening of a novel splice acceptor site. Based on the available evidence, the clinical significance of this variant remains unclear.

NM_016222.4(DDX41):c.1104G>A (p.Gln368=)

Gene: DDX41 (DEAD-box helicase 41; minus strand). Cytogenetic location: 5q35.3.
Variant type: single nucleotide variant.
Coding change: c.1104G>A on transcript NM_016222.4 (MANE Select); coding-DNA position 1104, G replaced by A.
Protein change: p.Gln368=; no amino-acid change (glutamine 368 retained).
Molecular consequence: synonymous variant.
Genome position (GRCh38, 1-based): chr5:177,513,479, C>T on the plus strand (G>A on the coding strand, the complement: DDX41 is on the minus strand). VCF-style: chr5-177513479-C-T. GRCh37 (hg19) VCF-style: chr5-176940480-C-T.
Other names: c.726G>A, p.Gln242= (NM_001321732.2, NM_001321830.2).
Identifiers: ClinVar variation 4869672 (VCV004869672.1).